The following is an entry in ClinVar:

NM_001983.4(ERCC1):c.109A>T (p.Lys37Ter)

Gene: ERCC1 (ERCC excision repair 1, endonuclease non-catalytic subunit; minus strand). Cytogenetic location: 19q13.32.
Variant type: single nucleotide variant.
Coding change: c.109A>T on transcript NM_001983.4 (MANE Select); coding-DNA position 109, A replaced by T.
Protein change: p.Lys37Ter; replaces lysine 37 with a stop codon.
Molecular consequence: nonsense.
Genome position (GRCh38, 1-based): chr19:45,421,390, T>A on the plus strand (A>T on the coding strand, the complement: ERCC1 is on the minus strand). VCF-style: chr19-45421390-T-A. GRCh37 (hg19) VCF-style: chr19-45924648-T-A.
Other names: c.109A>T, p.Lys37Ter (NM_001166049.2, NM_001369408.1, NM_001369409.1 and 11 more transcripts); short protein forms K37*.
Identifiers: ClinVar variation 3342960 (VCV003342960.1).
Genomic context (GRCh38, chr19:45,421,390, plus strand): 5'-GGGCCGCCTGGGCCGAGGTGTCCACAGTGGGAAGGCTCTGTGTAGATCGGAATAAGGGCT[T>A]GGCCTGTGGGGAGAAAGGGAGTTTGCAGGGGACTGGTTGGGGTGAGCAGAGGACATCTGA-3'

ClinVar aggregate classification (germline): Pathogenic (1 of 4 stars; one submission).

gnomAD v4.1: 2 of 1,570,518 alleles (0.00013%); highest among the groups gnomAD compares: Admixed American, 0.0035%; no homozygotes.

Submission:

GeneDx
Classification: Pathogenic. Last evaluated: 2024-03-11. Review status: criteria provided, single submitter. Criteria: GeneDx Variant Classification Process June 2021. Collection method: clinical testing. Allele origin: germline. Affected: yes.
Comment: Nonsense variant predicted to result in protein truncation or nonsense mediated decay in a gene for which loss of function is a known mechanism of disease; Not observed at significant frequency in large population cohorts (gnomAD); Has not been previously published as pathogenic or benign to our knowledge